The following is an entry in ClinVar:

ClinVar aggregate classification (germline): Likely pathogenic (1 of 4 stars; one submission).

Conditions:
Maple syrup urine disease (MSUD). Identifiers: Orphanet 511, MedGen C0024776, MeSH D008375, MONDO:0009563. Disease mechanism: loss of function.

Allele frequency attached by ClinVar (database versions not stated): ExAC 0.00003.

Submissions (3):

Labcorp Genetics (formerly Invitae), Labcorp
Classification: Likely pathogenic for Maple syrup urine disease. Last evaluated: 2023-02-27. Review status: criteria provided, single submitter. Criteria: Invitae Variant Classification Sherloc (09022015). Collection method: clinical testing. Allele origin: germline.
Comment: In summary, the currently available evidence indicates that the variant is pathogenic, but additional data are needed to prove that conclusively. Therefore, this variant has been classified as Likely Pathogenic. Algorithms developed to predict the effect of sequence changes on RNA splicing suggest that this variant may disrupt the consensus splice site. This variant has not been reported in the literature in individuals affected with BCKDHA-related conditions. The frequency data for this variant in the population databases is considered unreliable, as metrics indicate poor data quality at this position in the gnomAD database. This sequence change affects a donor splice site in intron 3 of the BCKDHA gene. It is expected to disrupt RNA splicing. Variants that disrupt the donor or acceptor splice site typically lead to a loss of protein function (PMID: 16199547), and loss-of-function variants in BCKDHA are known to be pathogenic (PMID: 16786533, 22593002).

Dr. Peter K. Rogan Lab, Western University
No classification provided (evidence only). Condition: Familial cancer of breast. Review status: no classification provided. Collection method: in vitro. Allele origin: not applicable. Functional consequence: retained intron. Not counted in ClinVar's aggregate classification.

Dr. Peter K. Rogan Lab, Western University
No classification provided (evidence only). Condition: Thyroid cancer, nonmedullary, 1. Review status: no classification provided. Collection method: in vitro. Allele origin: not applicable. Functional consequence: retained intron. Not counted in ClinVar's aggregate classification.

Literature cited by the submitters: PubMed 16199547 (cited by Labcorp Genetics (formerly Invitae), Labcorp); PubMed 16786533 (cited by Labcorp Genetics (formerly Invitae), Labcorp); PubMed 22593002 (cited by Labcorp Genetics (formerly Invitae), Labcorp).

NM_000709.4(BCKDHA):c.375+2T>G

Gene: BCKDHA (branched chain keto acid dehydrogenase E1 subunit alpha; plus strand). Cytogenetic location: 19q13.2.
Variant type: single nucleotide variant.
Coding change: c.375+2T>G on transcript NM_000709.4 (MANE Select); the canonical splice donor site of the intron after coding-DNA position 375, T replaced by G.
Molecular consequence: splice donor variant.
Genome position (GRCh38, 1-based): chr19:41,411,011, T>G. VCF-style: chr19-41411011-T-G. GRCh37 (hg19) VCF-style: chr19-41916916-T-G.
Other names: c.375+2T>G (NM_001164783.2).
Identifiers: ClinVar variation 2841446 (VCV002841446.4), dbSNP rs756052603, ClinGen allele CA9461098.
Genomic context (GRCh38, chr19:41,411,011, plus strand): 5'-ACAAGAGCATGACACTGCTTAACACCATGGACCGCATCCTCTATGAGTCTCAGCGGCAGG[T>G]GCGTGGGGACAGGACTAGGGGCGGGGGGCTGGAATTACCTGAGGTCCCCTACCTGTGTTT-3'